The following is an entry in ClinVar:

NC_000017.10:g.(?_75488683)_(75494740_?)dup

Gene: SEPTIN9 (septin 9; plus strand). Cytogenetic location: 17q25.3.
Variant type: Duplication.
Identifiers: ClinVar variation 3243182 (VCV003243182.1).

ClinVar aggregate classification (germline): Uncertain significance (1 of 4 stars; one submission).

Submission:

Labcorp Genetics (formerly Invitae), Labcorp
Classification: Uncertain significance. Last evaluated: 2023-05-10. Review status: criteria provided, single submitter. Criteria: Invitae Variant Classification Sherloc (09022015). Collection method: clinical testing. Allele origin: unknown.
Comment: In summary, the available evidence is currently insufficient to determine the role of this variant in disease. Therefore, it has been classified as a Variant of Uncertain Significance. Experimental studies and prediction algorithms are not available or were not evaluated, and the functional significance of this variant is currently unknown. This variant has not been reported in the literature in individuals affected with SEPT9-related conditions. This variant results in a copy number gain of the genomic region encompassing exon(s) 8-11 of the SEPT9 gene. This region includes the termination codon of the gene. This copy number gain extends beyond the assayed region for this gene and therefore may encompass additional genes. As the precise location of this event is unknown, it may be in tandem or it may be located elsewhere in the genome.